The following is an entry in ClinVar:

ClinVar aggregate classification (germline): Uncertain significance (1 of 4 stars; one submission).

gnomAD v4.1: 10 of 1,571,980 alleles (0.00064%); highest among the groups gnomAD compares: East Asian, 0.025%; no homozygotes.

Submission:

Ambry Genetics
Classification: Uncertain significance. Last evaluated: 2024-11-21. Review status: criteria provided, single submitter. Criteria: Ambry Variant Classification Scheme 2023. Collection method: clinical testing. Allele origin: germline.
Comment: The p.E62D variant (also known as c.186G>C), located in coding exon 1 of the ATRIP gene, results from a G to C substitution at nucleotide position 186. The glutamic acid at codon 62 is replaced by aspartic acid, an amino acid with highly similar properties. This amino acid position is conserved. In addition, this alteration is predicted to be tolerated by in silico analysis. Based on the available evidence, the clinical significance of this variant remains unclear.

NM_130384.3(ATRIP):c.186G>C (p.Glu62Asp)

Genes: ATRIP (ATR interacting protein; plus strand), ATRIP-TREX1 (ATRIP-TREX1 readthrough; plus strand), LOC129936703 (ATAC-STARR-seq lymphoblastoid silent region 14331; plus strand). Cytogenetic location: 3p21.31.
Variant type: single nucleotide variant.
Coding change: c.186G>C on transcript NM_130384.3 (MANE Select); coding-DNA position 186, G replaced by C.
Protein change: p.Glu62Asp; replaces glutamic acid 62 with aspartic acid.
Molecular consequence: missense variant. On other transcripts: non-coding transcript variant (1), intron variant (1).
Genome position (GRCh38, 1-based): chr3:48,447,031, G>C. VCF-style: chr3-48447031-G-C. GRCh37 (hg19) VCF-style: chr3-48488435-G-C.
Other names: c.186G>C, p.Glu62Asp (NM_032166.4); c.-218+232G>C (NM_001271022.2); short protein forms E62D.
Identifiers: ClinVar variation 3464139 (VCV003464139.1).
Genomic context (GRCh38, chr3:48,447,031, plus strand): 5'-CCCGGACCCTGACGACCCGTTCGGCGCGCATGGGGACTTCACTGCCGACGACCTGGAGGA[G>C]CTTGACACCCTCGCGTCACAGGCCCTGAGCCAATGTCCGGCCGCGGCTCGGGACGTGTCC-3'
Protein context (NP_569055.1, residues 52-72): HGDFTADDLE[Glu62Asp]LDTLASQALS